The following is an entry in ClinVar:

NM_006514.4(SCN10A):c.25G>A (p.Glu9Lys)

Gene: SCN10A (sodium voltage-gated channel alpha subunit 10; minus strand). Cytogenetic location: 3p22.2.
Variant type: single nucleotide variant.
Coding change: c.25G>A on transcript NM_006514.4 (MANE Select); coding-DNA position 25, G replaced by A.
Protein change: p.Glu9Lys; replaces glutamic acid 9 with lysine.
Molecular consequence: missense variant.
Genome position (GRCh38, 1-based): chr3:38,793,986, C>T on the plus strand (G>A on the coding strand, the complement: SCN10A is on the minus strand). VCF-style: chr3-38793986-C-T. GRCh37 (hg19) VCF-style: chr3-38835477-C-T.
Other names: c.25G>A, p.Glu9Lys (NM_001293306.2, NM_001293307.2); c.25G>A (NM_006514.2); short protein forms E9K.
Identifiers: ClinVar variation 532118 (VCV000532118.6), dbSNP rs747174454, ClinGen allele CA2321320.
Genomic context (GRCh38, chr3:38,793,986, plus strand): 5'-CAATTTGCTTCTCTATCTCCACCAGTGACTCCGGAGTAAAGCGACGGAAGTTGTTAGTTT[C>T]GAGGGATCCAATGGGGAATTCCATCTTCTCATTCTTCTTCAGGAAGTATTTATACTCTTA-3'
Protein context (NP_006505.4, residues 1-19): MEFPIGSL[Glu9Lys]TNNFRRFTPE

ClinVar aggregate classification (germline): Uncertain significance. Review status: criteria provided, multiple submitters, no conflicts (2 of 4 stars). 2 submissions from 2 submitters: Uncertain significance (2). Last evaluated 2025-10-29.

Conditions:
Cardiovascular phenotype. Identifiers: MedGen CN230736.
Brugada syndrome. Also called: Sudden Unexplained Death Syndrome; Sudden Unexplained Nocturnal Death Syndrome (SUNDS); Sudden unexplained nocturnal death syndrome; Sudden unexpected nocturnal death syndrome. Identifiers: Orphanet 130, MedGen C1142166, MONDO:0015263.

Allele frequency attached by ClinVar (database versions not stated): ExAC 0.00001; gnomAD 0.00001; gnomAD exomes 0.00001; TOPMed 0.00001.
gnomAD v4.1: 15 of 1,613,794 alleles (0.00093%); highest among the groups gnomAD compares: Non-Finnish European, 0.0012%; no homozygotes.

Submissions (2):

Labcorp Genetics (formerly Invitae), Labcorp
Classification: Uncertain significance for Brugada syndrome. Last evaluated: 2025-10-29. Review status: criteria provided, single submitter. Criteria: Invitae Variant Classification Sherloc (09022015). Collection method: clinical testing. Allele origin: germline.
Comment: This sequence change replaces glutamic acid, which is acidic and polar, with lysine, which is basic and polar, at codon 9 of the SCN10A protein (p.Glu9Lys). This variant is present in population databases (rs747174454, gnomAD 0.0009%). This variant has not been reported in the literature in individuals affected with SCN10A-related conditions. ClinVar contains an entry for this variant (Variation ID: 532118). Invitae Evidence Modeling of protein sequence and biophysical properties (such as structural, functional, and spatial information, amino acid conservation, physicochemical variation, residue mobility, and thermodynamic stability) indicates that this missense variant is not expected to disrupt SCN10A protein function with a negative predictive value of 80%. In summary, the available evidence is currently insufficient to determine the role of this variant in disease. Therefore, it has been classified as a Variant of Uncertain Significance.

Ambry Genetics
Classification: Uncertain significance for Cardiovascular phenotype. Last evaluated: 2024-01-29. Review status: criteria provided, single submitter. Criteria: Ambry Variant Classification Scheme 2023. Collection method: clinical testing. Allele origin: germline.
Comment: The p.E9K variant (also known as c.25G>A), located in coding exon 1 of the SCN10A gene, results from a G to A substitution at nucleotide position 25. The glutamic acid at codon 9 is replaced by lysine, an amino acid with similar properties. This amino acid position is conserved. In addition, this alteration is predicted to be tolerated by in silico analysis. Based on the available evidence, the clinical significance of this alteration remains unclear.